The following is an entry in ClinVar:

ClinVar aggregate classification (germline): Uncertain significance (1 of 4 stars; one submission).

Conditions:
Hereditary cancer-predisposing syndrome. Also called: Neoplastic Syndromes, Hereditary; Tumor predisposition; Hereditary Cancer Syndrome; Hereditary neoplastic syndrome. Identifiers: Orphanet 140162, MedGen C0027672, MeSH D009386, MONDO:0015356.

Submission:

Ambry Genetics
Classification: Uncertain significance for Hereditary cancer-predisposing syndrome. Last evaluated: 2020-01-29. Review status: criteria provided, single submitter. Criteria: Ambry Variant Classification Scheme 2023. Collection method: clinical testing. Allele origin: germline.
Comment: The p.M454L variant (also known as c.1360A>T), located in coding exon 12 of the MRE11A gene, results from an A to T substitution at nucleotide position 1360. The methionine at codon 454 is replaced by leucine, an amino acid with highly similar properties. This amino acid position is highly conserved in available vertebrate species. In addition, the in silico prediction for this alteration is inconclusive. Since supporting evidence is limited at this time, the clinical significance of this alteration remains unclear.

NM_005591.4(MRE11):c.1360A>T (p.Met454Leu)

Gene: MRE11 (MRE11 double strand break repair nuclease; minus strand). Cytogenetic location: 11q21.
Variant type: single nucleotide variant.
Coding change: c.1360A>T on transcript NM_005591.4 (MANE Select); coding-DNA position 1360, A replaced by T.
Protein change: p.Met454Leu; replaces methionine 454 with leucine.
Molecular consequence: missense variant.
Genome position (GRCh38, 1-based): chr11:94,459,548, T>A on the plus strand (A>T on the coding strand, the complement: MRE11 is on the minus strand). VCF-style: chr11-94459548-T-A. GRCh37 (hg19) VCF-style: chr11-94192714-T-A.
Other names: c.1360A>T, p.Met454Leu (NM_001330347.2, NM_005590.4); short protein forms M454L.
Identifiers: ClinVar variation 1800154 (VCV001800154.2), dbSNP rs2134991449, ClinGen allele CA382372000.
Genomic context (GRCh38, chr11:94,459,548, plus strand): 5'-CTAATTCCTCAATGGCATCTTTCTCCTCCTTGTCCACAAATTCTTGTACTGCTTCACCCA[T>A]CCCTCTTTCTGTTAGCAGTGAGAGCTGCACATTCTGTAAGATACAAATCACTGGATGCAG-3'
Protein context (NP_005582.1, residues 444-464): VQLSLLTERG[Met454Leu]GEAVQEFVDK